The following is an entry in ClinVar:

NM_018062.4(FANCL):c.296_297del (p.Gln99fs)

Gene: FANCL (FA complementation group L; minus strand). Cytogenetic location: 2p16.1.
Variant type: Deletion.
Coding change: c.296_297del on transcript NM_018062.4 (MANE Select); coding-DNA positions 296 to 297, 2 bases deleted (AA; older notation c.296_297delAA).
Protein change: p.Gln99fs; shifts the reading frame from glutamine 99.
Molecular consequence: frameshift variant.
Genome position (GRCh38, 1-based): chr2:58,222,019-58,222,020, TT deleted on the plus strand (AA on the coding strand, the reverse complement: FANCL is on the minus strand). VCF-style (leftmost placement, unchanged base first): chr2-58222018-CTT-C. GRCh37 (hg19) VCF-style: chr2-58449153-CTT-C.
Other names: c.296_297del, p.Gln99fs (NM_001374615.1, NM_001410792.1); c.296_297delAA, p.Gln99Argfs (NM_018062.3, NM_001114636.2); short protein forms Q99fs.
Identifiers: ClinVar variation 801717 (VCV000801717.14), dbSNP rs779544327, ClinGen allele CA1670691.

ClinVar aggregate classification (germline): Conflicting classifications of pathogenicity. Review status: criteria provided, conflicting classifications (1 of 4 stars). 6 submissions from 6 submitters: Pathogenic (3); Likely pathogenic (2); Uncertain significance (1). Last evaluated 2025-07-21.

Conditions:
Fanconi anemia complementation group A (FANCA). Also called: FANCA-Related Fanconi Anemia; Fanconi anemia, group A. Identifiers: Orphanet 84, MedGen C3469521, MONDO:0009215, OMIM 227650.
Fanconi anemia (FA). Also called: Fanconi's anemia. Identifiers: Orphanet 84, MedGen C0015625, MeSH D005199, MONDO:0019391.
Fanconi anemia complementation group L (FANCL). Also called: FANCL-Related Fanconi Anemia. Identifiers: Orphanet 84, MedGen C3469528, MONDO:0013566, OMIM 614083.

Allele frequency attached by ClinVar (database versions not stated): gnomAD exomes 0.00001 and 0.00002; ESP Exome Variant Server 0.00008; ExAC 0.00002; gnomAD 0.00006 and 0.00007; TOPMed 0.00010.

Submissions (6):

Labcorp Genetics (formerly Invitae), Labcorp
Classification: Pathogenic for Fanconi anemia. Last evaluated: 2025-07-21. Review status: criteria provided, single submitter. Criteria: Invitae Variant Classification Sherloc (09022015). Collection method: clinical testing. Allele origin: germline.
Comment: This sequence change creates a premature translational stop signal (p.Gln99Argfs*17) in the FANCL gene. It is expected to result in an absent or disrupted protein product. Loss-of-function variants in FANCL are known to be pathogenic (PMID: 19405097, 23613520). This variant is present in population databases (rs779544327, gnomAD 0.02%). This variant has not been reported in the literature in individuals affected with FANCL-related conditions. ClinVar contains an entry for this variant (Variation ID: 801717). For these reasons, this variant has been classified as Pathogenic.

Dasa
Classification: Pathogenic. Last evaluated: 2024-08-20. Review status: criteria provided, single submitter. Criteria: DASA Assertion Criteria. Collection method: clinical testing. Allele origin: germline.
Comment: NM_018062.4(FANCL):c.296_297del (p.Gln99Argfs*17) is a frameshift variant in FANCL predicted to alter the reading frame and introduce a premature termination codon and is predicted to result in an absent or altered protein product. Loss of function is an established disease mechanism for FANCL-associated disorders. This variant has been reported in individuals with FANCL-related disorders. Also, this variant is rare in population databases. Based on the currently available evidence, this variant is classified as pathogenic.

Fulgent Genetics
Classification: Likely pathogenic for Fanconi anemia complementation group L. Last evaluated: 2024-06-11. Review status: criteria provided, single submitter. Criteria: ACMG Guidelines, 2015. Collection method: clinical testing. Allele origin: germline.

Baylor Genetics
Classification: Likely pathogenic for Fanconi anemia complementation group L. Last evaluated: 2024-03-17. Review status: criteria provided, single submitter. Criteria: ACMG Guidelines, 2015. Collection method: clinical testing. Allele origin: unknown.

GeneDx
Classification: Uncertain significance. Last evaluated: 2022-03-13. Review status: criteria provided, single submitter. Criteria: GeneDx Variant Classification Process June 2021. Collection method: clinical testing. Allele origin: germline. Affected: yes.
Comment: Frameshift variant predicted to result in protein truncation or nonsense mediated decay in a gene for which loss-of-function is a known mechanism of disease; Has not been previously published as pathogenic or benign to our knowledge

Mendelics
Classification: Pathogenic for Fanconi anemia complementation group A. Last evaluated: 2019-05-28. Review status: criteria provided, single submitter. Criteria: Mendelics Assertion Criteria 2017. Collection method: clinical testing. Allele origin: unknown.

Literature cited by the submitters: PubMed 19405097 (cited by Labcorp Genetics (formerly Invitae), Labcorp); PubMed 23613520 (cited by Labcorp Genetics (formerly Invitae), Labcorp).